The following is an entry in ClinVar:

ClinVar aggregate classification (germline): Uncertain significance (1 of 4 stars; one submission).

gnomAD v4.1: 2 of 1,146,703 alleles (0.00017%); highest among the groups gnomAD compares: Non-Finnish European, 0.00023%; no homozygotes.

Submission:

GeneDx
Classification: Uncertain significance. Last evaluated: 2026-02-23. Review status: criteria provided, single submitter. Criteria: GeneDx Variant Classification Process June 2021. Collection method: clinical testing. Allele origin: germline.
Comment: Not observed at significant frequency in large population cohorts (gnomAD); In silico analysis suggests that this missense variant does not alter protein structure/function; Has not been previously published as pathogenic or benign to our knowledge

NM_024528.4(NKAP):c.548A>G (p.Lys183Arg)

Gene: NKAP (NFKB activating protein; minus strand). Cytogenetic location: Xq24.
Variant type: single nucleotide variant.
Coding change: c.548A>G on transcript NM_024528.4 (MANE Select); coding-DNA position 548, A replaced by G.
Protein change: p.Lys183Arg; replaces lysine 183 with arginine.
Molecular consequence: missense variant.
Genome position (GRCh38, 1-based): chrX:119,936,422, T>C on the plus strand (A>G on the coding strand, the complement: NKAP is on the minus strand). VCF-style: chrX-119936422-T-C. GRCh37 (hg19) VCF-style: chrX-119070385-T-C.
Other names: short protein forms K183R.
Identifiers: ClinVar variation 5010021 (VCV005010021.1).